The following is an entry in ClinVar:

ClinVar aggregate classification (germline): Uncertain significance (1 of 4 stars; one submission).

Allele frequency attached by ClinVar (database versions not stated): gnomAD exomes below 0.00001; TOPMed below 0.00001; gnomAD 0.00001.
gnomAD v4.1: 4 of 1,612,860 alleles (0.00025%); highest among the groups gnomAD compares: Non-Finnish European, 0.00025%; no homozygotes.

Submission:

Labcorp Genetics (formerly Invitae), Labcorp
Classification: Uncertain significance. Last evaluated: 2024-08-14. Review status: criteria provided, single submitter. Criteria: Invitae Variant Classification Sherloc (09022015). Collection method: clinical testing. Allele origin: germline.
Comment: This sequence change replaces proline, which is neutral and non-polar, with leucine, which is neutral and non-polar, at codon 1427 of the TOP2B protein (p.Pro1427Leu). This variant is present in population databases (no rsID available, gnomAD 0.0008%). This variant has not been reported in the literature in individuals affected with TOP2B-related conditions. An algorithm developed to predict the effect of missense changes on protein structure and function (PolyPhen-2) suggests that this variant is likely to be tolerated. In summary, the available evidence is currently insufficient to determine the role of this variant in disease. Therefore, it has been classified as a Variant of Uncertain Significance.

NM_001330700.2(TOP2B):c.4295C>T (p.Pro1432Leu)

Gene: TOP2B (DNA topoisomerase II beta; minus strand). Cytogenetic location: 3p24.2.
Variant type: single nucleotide variant.
Coding change: c.4295C>T on transcript NM_001330700.2 (MANE Select); coding-DNA position 4295, C replaced by T.
Protein change: p.Pro1432Leu; replaces proline 1432 with leucine.
Molecular consequence: missense variant.
Genome position (GRCh38, 1-based): chr3:25,607,174, G>A on the plus strand (C>T on the coding strand, the complement: TOP2B is on the minus strand). VCF-style: chr3-25607174-G-A. GRCh37 (hg19) VCF-style: chr3-25648665-G-A.
Other names: c.4280C>T, p.Pro1427Leu (NM_001068.3); short protein forms P1427L, P1432L.
Identifiers: ClinVar variation 2979868 (VCV002979868.3), dbSNP rs1454051920, ClinGen allele CA351892251.
Genomic context (GRCh38, chr3:25,607,174, plus strand): 5'-CTTTGGCAAATGTTTACAACAATTAACTATACCACATCACTAAATAGCATTACTTACTCT[G>A]GAGTGGCTTTTGATTTGCCTGGTGAAAATGTATATTCATCTTTATCTAACCCATCTGAAG-3'
Protein context (NP_001317629.1, residues 1422-1442): TFSPGKSKAT[Pro1432Leu]EKSLHDKKSQ